The following is an entry in ClinVar:

ClinVar aggregate classification (germline): Benign (1 of 4 stars; one submission).

Conditions:
Loeys-Dietz syndrome 4 (LDS4). Also called: ANEURYSM, AORTIC AND CEREBRAL, WITH ARTERIAL TORTUOSITY AND SKELETAL MANIFESTATIONS; TGFB2-Related Loeys-Dietz Syndrome. Identifiers: MedGen C3553762, MONDO:0013897, OMIM 614816.

Allele frequency attached by ClinVar (database versions not stated): gnomAD 0.00071 and 0.00080; TOPMed 0.00095; 1000 Genomes Project 30x 0.00219; 1000 Genomes Project 0.00280.

Submission:

Illumina Laboratory Services, Illumina
Classification: Benign for Loeys-Dietz syndrome 4. Last evaluated: 2018-01-12. Review status: criteria provided, single submitter. Criteria: ICSL Variant Classification Criteria 13 December 2019. Collection method: clinical testing. Allele origin: germline.
Comment: This variant was observed in the ICSL laboratory as part of a predisposition screen in an ostensibly healthy population. It had not been previously curated by ICSL or reported in the Human Gene Mutation Database (HGMD: prior to June 1st, 2018), and was therefore a candidate for classification through an automated scoring system. Utilizing variant allele frequency, disease prevalence and penetrance estimates, and inheritance mode, an automated score was calculated to assess if this variant is too frequent to cause the disease. Based on the score and internal cut-off values, a variant classified as benign is not then subjected to further curation. The score for this variant resulted in a classification of benign for this disease.

NM_003238.6(TGFB2):c.*2950G>A

Gene: TGFB2 (transforming growth factor beta 2; plus strand). Cytogenetic location: 1q41.
Variant type: single nucleotide variant.
Coding change: c.*2950G>A on transcript NM_003238.6 (MANE Select); 2950 bases downstream of the stop codon, G replaced by A.
Molecular consequence: 3 prime UTR variant. On other transcripts: non-coding transcript variant (2).
Genome position (GRCh38, 1-based): chr1:218,444,312, G>A. VCF-style: chr1-218444312-G-A. GRCh37 (hg19) VCF-style: chr1-218617654-G-A.
Other names: c.*2950G>A (NM_001135599.4).
Identifiers: ClinVar variation 295536 (VCV000295536.5), dbSNP rs147957308, ClinGen allele CA10609962.
Genomic context (GRCh38, chr1:218,444,312, plus strand): 5'-TTCCATCCAGCTTGACTGCCGACCAGAAAAAATGCAGAGAGATGTTTGCACCATGCTTTG[G>A]CTTTCTGGTTCTATGTTCTGCCAACGCCAGGGCCAAAAGAACTGGTCTAGACAGTATCCC-3'